The following is an entry in ClinVar:

NM_018230.3(NUP133):c.2083C>A (p.Gln695Lys)

Gene: NUP133 (nucleoporin 133; minus strand). Cytogenetic location: 1q42.13.
Variant type: single nucleotide variant.
Coding change: c.2083C>A on transcript NM_018230.3 (MANE Select); coding-DNA position 2083, C replaced by A.
Protein change: p.Gln695Lys; replaces glutamine 695 with lysine.
Molecular consequence: missense variant.
Genome position (GRCh38, 1-based): chr1:229,466,750, G>T on the plus strand (C>A on the coding strand, the complement: NUP133 is on the minus strand). VCF-style: chr1-229466750-G-T. GRCh37 (hg19) VCF-style: chr1-229602497-G-T.
Other names: short protein forms Q695K.
Identifiers: ClinVar variation 3665911 (VCV003665911.2).

ClinVar aggregate classification (germline): Uncertain significance (1 of 4 stars; one submission).

Submission:

Labcorp Genetics (formerly Invitae), Labcorp
Classification: Uncertain significance. Last evaluated: 2025-02-13. Review status: criteria provided, single submitter. Criteria: Invitae Variant Classification Sherloc (09022015). Collection method: clinical testing. Allele origin: germline.
Comment: This sequence change replaces glutamine, which is neutral and polar, with lysine, which is basic and polar, at codon 695 of the NUP133 protein (p.Gln695Lys). This variant is not present in population databases (gnomAD no frequency). This variant has not been reported in the literature in individuals affected with NUP133-related conditions. An algorithm developed to predict the effect of missense changes on protein structure and function (PolyPhen-2) suggests that this variant is likely to be disruptive. In summary, the available evidence is currently insufficient to determine the role of this variant in disease. Therefore, it has been classified as a Variant of Uncertain Significance.